The following is an entry in ClinVar:

NM_005334.3(HCFC1):c.5328G>C (p.Gln1776His)

Gene: HCFC1 (host cell factor C1; minus strand). Cytogenetic location: Xq28.
Variant type: single nucleotide variant.
Coding change: c.5328G>C on transcript NM_005334.3 (MANE Select); coding-DNA position 5328, G replaced by C.
Protein change: p.Gln1776His; replaces glutamine 1776 with histidine.
Molecular consequence: missense variant.
Genome position (GRCh38, 1-based): chrX:153,951,640, C>G on the plus strand (G>C on the coding strand, the complement: HCFC1 is on the minus strand). VCF-style: chrX-153951640-C-G. GRCh37 (hg19) VCF-style: chrX-153217091-C-G.
Other names: p.Gln1776His; c.5463G>C, p.Gln1821His (NM_001410705.1); c.5328G>C (NM_005334.2); short protein forms Q1776H, Q1821H.
Identifiers: ClinVar variation 2965963 (VCV002965963.5), dbSNP rs372299853, ClinGen allele CA10556812.
Genomic context (GRCh38, chrX:153,951,640, plus strand): 5'-CCGACTCACCACACCCAGGGACTCGATGCCATTGGCCACTTCGGTCAGGGTAGCTGCAGC[C>G]TGCAGCTTGGCTGGGCTGGCCACCACAACCGGCTGGGGGGCCACAAATGTGTTGGATGGA-3'
Protein context (NP_005325.2, residues 1766-1786): PVVVASPAKL[Gln1776His]AAATLTEVAN

ClinVar aggregate classification (germline): Conflicting classifications of pathogenicity. Review status: criteria provided, conflicting classifications (1 of 4 stars). 3 submissions from 3 submitters: Uncertain significance (1); Likely benign (2). Last evaluated 2024-02-05.

Conditions:
Inborn genetic diseases. Identifiers: MedGen C0950123, MeSH D030342.
Methylmalonic acidemia with homocystinuria, type cblX (MAHCX). Also called: INTELLECTUAL DEVELOPMENTAL DISORDER, X-LINKED 3. Identifiers: Orphanet 369962, MedGen C0796208, MONDO:0010657, OMIM 309541.

Allele frequency attached by ClinVar (database versions not stated): ExAC 0.00002; gnomAD 0.00002; TOPMed 0.00003; ESP Exome Variant Server 0.00020.
gnomAD v4.1: 8 of 1,209,988 alleles (0.00066%); highest among the groups gnomAD compares: Non-Finnish European, 0.00089%; no homozygotes.

Submissions (3):

Ambry Genetics
Classification: Likely benign for Inborn genetic diseases. Last evaluated: 2024-02-05. Review status: criteria provided, single submitter. Criteria: Ambry Variant Classification Scheme 2023. Collection method: clinical testing. Allele origin: germline.

Mayo Clinic Laboratories, Mayo Clinic
Classification: Uncertain significance. Last evaluated: 2024-01-26. Review status: criteria provided, single submitter. Criteria: ACMG Guidelines, 2015. Collection method: clinical testing. Allele origin: germline. Observed: 1 variant allele.
Comment: BP4

Labcorp Genetics (formerly Invitae), Labcorp
Classification: Likely benign for Methylmalonic acidemia with homocystinuria, type cblX. Last evaluated: 2023-08-02. Review status: criteria provided, single submitter. Criteria: Invitae Variant Classification Sherloc (09022015). Collection method: clinical testing. Allele origin: germline.